The following is an entry in ClinVar:

NM_001848.3(COL6A1):c.2061C>A (p.Leu687=)

Gene: COL6A1 (collagen type VI alpha 1 chain; plus strand). Cytogenetic location: 21q22.3.
Variant type: single nucleotide variant.
Coding change: c.2061C>A on transcript NM_001848.3 (MANE Select); coding-DNA position 2061, C replaced by A.
Protein change: p.Leu687=; no amino-acid change (leucine 687 retained).
Molecular consequence: synonymous variant.
Genome position (GRCh38, 1-based): chr21:46,002,065, C>A. VCF-style: chr21-46002065-C-A. GRCh37 (hg19) VCF-style: chr21-47421979-C-A.
Other names: p.Leu687=.
Identifiers: ClinVar variation 93845 (VCV000093845.27), dbSNP rs8132678, ClinGen allele CA147359.
Genomic context (GRCh38, chr21:46,002,065, plus strand): 5'-CAGCCAGATGCAGGAGCACGTGAGCCTGCGCAGCCCCAGCATCCGGAACGTGCAGGAGCT[C>A]AAGGAGTGAGTGCCCCACGCGGCCAGGACCCTCCCACCCCTCGCCCCGACCGCTGTTCCC-3'
Protein context (NP_001839.2, residues 677-697): RSPSIRNVQE[Leu687=]KEAIKSLQWM

ClinVar aggregate classification (germline): Benign/Likely benign. Review status: criteria provided, multiple submitters, no conflicts (2 of 4 stars). 8 submissions from 8 submitters: Benign (4); Likely benign (2). 2 of the submissions do not count toward it. Last evaluated 2026-01-28.

Conditions:
COL6A1-related disorder. Also called: COL6A1-related condition.
Collagen 6-related myopathy. Identifiers: MedGen CN117976, MONDO:0100225.
Bethlem myopathy 1A. Also called: Bethlem myopathy 1; Bethlem Muscular Dystrophy; MYOPATHY, BENIGN CONGENITAL, WITH CONTRACTURES. Identifiers: Orphanet 610, MedGen CN029274, MONDO:0024530, OMIM 158810.

Allele frequency attached by ClinVar (database versions not stated): gnomAD 0.01100 and 0.01197; TOPMed 0.01189; gnomAD exomes 0.00301; 1000 Genomes Project 30x 0.01202; ExAC 0.00427; 1000 Genomes Project 0.01058; ESP Exome Variant Server 0.01300.
gnomAD v4.1: 3,285 of 1,610,988 alleles (0.2%); highest among the groups gnomAD compares: African/African-American, 3.8%; 52 homozygotes.

Submissions (8):

Labcorp Genetics (formerly Invitae), Labcorp
Classification: Benign for Bethlem myopathy 1A. Last evaluated: 2026-01-28. Review status: criteria provided, single submitter. Criteria: Invitae Variant Classification Sherloc (09022015). Collection method: clinical testing. Allele origin: germline.

Mayo Clinic Laboratories, Mayo Clinic
Classification: Benign. Last evaluated: 2020-02-03. Review status: criteria provided, single submitter. Criteria: ACMG Guidelines, 2015. Collection method: clinical testing. Allele origin: germline. Observed: 6 variant alleles.

Illumina Laboratory Services, Illumina
Classification: Likely benign for Collagen VI-related myopathy. Last evaluated: 2017-04-27. Review status: criteria provided, single submitter. Criteria: ICSL Variant Classification Criteria 13 December 2019. Collection method: clinical testing. Allele origin: germline.
Comment: This variant was observed as part of a predisposition screen in an ostensibly healthy population. A literature search was performed for the gene, cDNA change, and amino acid change (where applicable). No publications were found based on this search. Allele frequency data from public databases allowed determination this variant is unlikely to cause disease. Therefore, this variant is classified as likely benign.

GeneDx
Classification: Benign. Last evaluated: 2016-08-02. Review status: criteria provided, single submitter. Criteria: GeneDx Variant Classification (06012015). Collection method: clinical testing. Allele origin: germline. Affected: yes.
Comment: This variant is considered likely benign or benign based on one or more of the following criteria: it is a conservative change, it occurs at a poorly conserved position in the protein, it is predicted to be benign by multiple in silico algorithms, and/or has population frequency not consistent with disease.

Eurofins Ntd Llc (ga)
Classification: Benign. Last evaluated: 2012-08-24. Review status: criteria provided, single submitter. Criteria: EGL Classification Definitions 2015. Collection method: clinical testing. Allele origin: germline. Observed: 1 variant allele, 1 heterozygote.

Breakthrough Genomics
Classification: Likely benign. Review status: criteria provided, single submitter. Criteria: ACMG Guidelines, 2015. Collection method: not provided. Allele origin: germline. Inheritance: Autosomal recessive inheritance. Affected: yes.

PreventionGenetics, part of Exact Sciences
Classification: Benign for COL6A1-related condition. Last evaluated: 2019-06-14. Review status: no assertion criteria provided. Collection method: clinical testing. Allele origin: germline. Not counted in ClinVar's aggregate classification.
Comment: This variant is classified as benign based on ACMG/AMP sequence variant interpretation guidelines (Richards et al. 2015 PMID: 25741868, with internal and published modifications).

Genetic Services Laboratory, University of Chicago
Classification: Likely benign for AllHighlyPenetrant. Review status: no assertion criteria provided. Collection method: clinical testing. Allele origin: germline. Not counted in ClinVar's aggregate classification.
Comment: Likely benign based on allele frequency in 1000 Genomes Project or ESP global frequency and its presence in a patient with a rare or unrelated disease phenotype. NOT Sanger confirmed.